The following is an entry in ClinVar:

ClinVar aggregate classification (germline): Benign/Likely benign. Review status: criteria provided, multiple submitters, no conflicts (2 of 4 stars). 4 submissions from 4 submitters: Benign (1); Likely benign (3). Last evaluated 2025-07-16.

Conditions:
Hereditary cancer-predisposing syndrome. Also called: Tumor predisposition; Hereditary neoplastic syndrome; Neoplastic Syndromes, Hereditary; Hereditary Cancer Syndrome. Identifiers: Orphanet 140162, MedGen C0027672, MeSH D009386, MONDO:0015356.
Peutz-Jeghers syndrome (PJS). Also called: POLYPOSIS, HAMARTOMATOUS INTESTINAL; POLYPS-AND-SPOTS SYNDROME; Peutz-Jeghers polyposis; Periorificial lentiginosis syndrome. Identifiers: Orphanet 2869, MedGen C0031269, MeSH D010580, MONDO:0008280, OMIM 175200.

Allele frequency attached by ClinVar (database versions not stated): TOPMed 0.00001.
gnomAD v4.1: 1 of 1,599,002 alleles (0.000063%); highest among the groups gnomAD compares: Non-Finnish European, 0.000085%; no homozygotes.

Submissions (4):

Labcorp Genetics (formerly Invitae), Labcorp
Classification: Likely benign for Peutz-Jeghers syndrome. Last evaluated: 2025-07-16. Review status: criteria provided, single submitter. Criteria: Invitae Variant Classification Sherloc (09022015). Collection method: clinical testing. Allele origin: germline.

Myriad Genetics, Inc.
Classification: Benign for Peutz-Jeghers syndrome. Last evaluated: 2025-03-28. Review status: criteria provided, single submitter. Criteria: Myriad Autosomal Dominant, Autosomal Recessive and X-Linked Classification Criteria (2023). Collection method: clinical testing. Allele origin: unknown.
Comment: This variant is considered benign. This variant is a silent/synonymous amino acid change and it is not expected to impact splicing.

Department of Pathology and Laboratory Medicine, Sinai Health System
Classification: Likely benign for Peutz-Jeghers syndrome. Last evaluated: 2020-11-17. Review status: criteria provided, single submitter. Criteria: ACMG Guidelines, 2015. Collection method: clinical testing. Allele origin: germline. Affected: yes.

Ambry Genetics
Classification: Likely benign for Hereditary cancer-predisposing syndrome. Last evaluated: 2018-05-08. Review status: criteria provided, single submitter. Criteria: Ambry Variant Classification Scheme 2023. Collection method: clinical testing. Allele origin: germline.

NM_000455.5(STK11):c.1212C>A (p.Ser404=)

Gene: STK11 (serine/threonine kinase 11; plus strand). Cytogenetic location: 19p13.3.
Variant type: single nucleotide variant.
Coding change: c.1212C>A on transcript NM_000455.5 (MANE Select); coding-DNA position 1212, C replaced by A.
Protein change: p.Ser404=; no amino-acid change (serine 404 retained).
Molecular consequence: synonymous variant.
Genome position (GRCh38, 1-based): chr19:1,226,557, C>A. VCF-style: chr19-1226557-C-A. GRCh37 (hg19) VCF-style: chr19-1226556-C-A.
Identifiers: ClinVar variation 221135 (VCV000221135.18), dbSNP rs754945004, ClinGen allele CA350059.